The following is an entry in ClinVar:

ClinVar aggregate classification (germline): Uncertain significance (1 of 4 stars; one submission).

Conditions:
Chédiak-Higashi syndrome (CHS). Also called: Chediak-Higashi Syndrome. Identifiers: Orphanet 167, MedGen C0007965, MONDO:0008963, OMIM 214500.

gnomAD v4.1: 1 of 1,610,598 alleles (0.000062%); no homozygotes.

Submission:

Labcorp Genetics (formerly Invitae), Labcorp
Classification: Uncertain significance for Chédiak-Higashi syndrome. Last evaluated: 2018-02-01. Review status: criteria provided, single submitter. Criteria: Invitae Variant Classification Sherloc (09022015). Collection method: clinical testing. Allele origin: germline.
Comment: In summary, the available evidence is currently insufficient to determine the role of this variant in disease. Therefore, it has been classified as a Variant of Uncertain Significance. Algorithms developed to predict the effect of missense changes on protein structure and function (SIFT, PolyPhen-2, Align-GVGD) all suggest that this variant is likely to be tolerated, but these predictions have not been confirmed by published functional studies and their clinical significance is uncertain. This variant has not been reported in the literature in individuals with LYST-related disease. This variant is present in population databases (rs760538931, ExAC 0.002%). This sequence change replaces proline with leucine at codon 2595 of the LYST protein (p.Pro2595Leu). The proline residue is moderately conserved and there is a moderate physicochemical difference between proline and leucine.

NM_000081.4(LYST):c.7784C>T (p.Pro2595Leu)

Gene: LYST (lysosomal trafficking regulator; minus strand). Cytogenetic location: 1q42.3.
Variant type: single nucleotide variant.
Coding change: c.7784C>T on transcript NM_000081.4 (MANE Select); coding-DNA position 7784, C replaced by T.
Protein change: p.Pro2595Leu; replaces proline 2595 with leucine.
Molecular consequence: missense variant.
Genome position (GRCh38, 1-based): chr1:235,746,524, G>A on the plus strand (C>T on the coding strand, the complement: LYST is on the minus strand). VCF-style: chr1-235746524-G-A. GRCh37 (hg19) VCF-style: chr1-235909824-G-A.
Other names: c.7784C>T, p.Pro2595Leu (NM_001301365.1); short protein forms P2595L.
Identifiers: ClinVar variation 576637 (VCV000576637.5), dbSNP rs760538931, ClinGen allele CA1466026.